The following is an entry in ClinVar:

ClinVar aggregate classification (germline): Uncertain significance. Review status: criteria provided, multiple submitters, no conflicts (2 of 4 stars). 2 submissions from 2 submitters: Uncertain significance (2). Last evaluated 2025-03-31.

Conditions:
Inborn genetic diseases. Identifiers: MedGen C0950123, MeSH D030342.
Cryptosporidiosis-chronic cholangitis-liver disease syndrome. Also called: Immunodeficiency type 56; IL21R immunodeficiency. Identifiers: Orphanet 357329, MedGen C3554687, MONDO:0014082, OMIM 615207.

Allele frequency attached by ClinVar (database versions not stated): ExAC 0.00003; TOPMed 0.00004; 1000 Genomes Project 30x 0.00016; 1000 Genomes Project 0.00020.
gnomAD v4.1: 8 of 1,605,390 alleles (0.0005%); highest among the groups gnomAD compares: Admixed American, 0.0017%; no homozygotes.

Submissions (2):

Labcorp Genetics (formerly Invitae), Labcorp
Classification: Uncertain significance for Cryptosporidiosis-chronic cholangitis-liver disease syndrome. Last evaluated: 2025-03-31. Review status: criteria provided, single submitter. Criteria: Invitae Variant Classification Sherloc (09022015). Collection method: clinical testing. Allele origin: germline.
Comment: This sequence change replaces alanine, which is neutral and non-polar, with glycine, which is neutral and non-polar, at codon 7 of the IL21R protein (p.Ala7Gly). This variant is present in population databases (rs559469718, gnomAD 0.003%). This variant has not been reported in the literature in individuals affected with IL21R-related conditions. ClinVar contains an entry for this variant (Variation ID: 1010394). An algorithm developed to predict the effect of missense changes on protein structure and function (PolyPhen-2) suggests that this variant is likely to be tolerated. In summary, the available evidence is currently insufficient to determine the role of this variant in disease. Therefore, it has been classified as a Variant of Uncertain Significance.

Ambry Genetics
Classification: Uncertain significance for Inborn genetic diseases. Last evaluated: 2023-12-08. Review status: criteria provided, single submitter. Criteria: Ambry Variant Classification Scheme 2023. Collection method: clinical testing. Allele origin: germline.

NM_181078.3(IL21R):c.20C>G (p.Ala7Gly)

Gene: IL21R (interleukin 21 receptor; plus strand). Cytogenetic location: 16p12.1.
Variant type: single nucleotide variant.
Coding change: c.20C>G on transcript NM_181078.3 (MANE Select); coding-DNA position 20, C replaced by G.
Protein change: p.Ala7Gly; replaces alanine 7 with glycine.
Molecular consequence: missense variant.
Genome position (GRCh38, 1-based): chr16:27,430,091, C>G. VCF-style: chr16-27430091-C-G. GRCh37 (hg19) VCF-style: chr16-27441412-C-G.
Other names: c.20C>G, p.Ala7Gly (NM_021798.4); c.86C>G, p.Ala29Gly (NM_181079.5); c.86C>G (NM_181079.4); short protein forms A29G, A7G.
Identifiers: ClinVar variation 1010394 (VCV001010394.12), dbSNP rs559469718, ClinGen allele CA7974825.